The following is an entry in ClinVar:

ClinVar aggregate classification (germline): Uncertain significance (1 of 4 stars; one submission).

Submission:

Labcorp Genetics (formerly Invitae), Labcorp
Classification: Uncertain significance. Last evaluated: 2024-02-17. Review status: criteria provided, single submitter. Criteria: Invitae Variant Classification Sherloc (09022015). Collection method: clinical testing. Allele origin: germline.
Comment: This sequence change replaces glutamine, which is neutral and polar, with arginine, which is basic and polar, at codon 78 of the MMP2 protein (p.Gln78Arg). This variant is not present in population databases (gnomAD no frequency). This variant has not been reported in the literature in individuals affected with MMP2-related conditions. ClinVar contains an entry for this variant (Variation ID: 1015572). Advanced modeling of protein sequence and biophysical properties (such as structural, functional, and spatial information, amino acid conservation, physicochemical variation, residue mobility, and thermodynamic stability) has been performed at Invitae for this missense variant, however the output from this modeling did not meet the statistical confidence thresholds required to predict the impact of this variant on MMP2 protein function. In summary, the available evidence is currently insufficient to determine the role of this variant in disease. Therefore, it has been classified as a Variant of Uncertain Significance.

NM_004530.6(MMP2):c.233A>G (p.Gln78Arg)

Gene: MMP2 (matrix metallopeptidase 2; plus strand). Cytogenetic location: 16q12.2.
Variant type: single nucleotide variant.
Coding change: c.233A>G on transcript NM_004530.6 (MANE Select); coding-DNA position 233, A replaced by G.
Protein change: p.Gln78Arg; replaces glutamine 78 with arginine.
Molecular consequence: missense variant.
Genome position (GRCh38, 1-based): chr16:55,482,988, A>G. VCF-style: chr16-55482988-A-G. GRCh37 (hg19) VCF-style: chr16-55516900-A-G.
Other names: c.83A>G, p.Gln28Arg (NM_001127891.3); c.5A>G, p.Gln2Arg (NM_001302508.1, NM_001302509.2, NM_001302510.2); short protein forms Q28R, Q2R, Q78R.
Identifiers: ClinVar variation 1015572 (VCV001015572.9), dbSNP rs1962143973, ClinGen allele CA395931496.